The following is an entry in ClinVar:

ClinVar aggregate classification (germline): Uncertain significance (1 of 4 stars; one submission).

Conditions:
Orthostatic hypotension 1 (ORTHYP1). Also called: Dopamine beta-hydroxylase deficiency; NORADRENALINE DEFICIENCY; NOREPINEPHRINE DEFICIENCY; Orthostatic hypotension 1, due to DBH deficiency. Identifiers: Orphanet 230, MedGen C4746777, MONDO:0009123, OMIM 223360.

Allele frequency attached by ClinVar (database versions not stated): gnomAD 0.00001.
gnomAD v4.1: 6 of 1,613,722 alleles (0.00037%); highest among the groups gnomAD compares: Admixed American, 0.0017%; no homozygotes.

Submission:

Labcorp Genetics (formerly Invitae), Labcorp
Classification: Uncertain significance for Orthostatic hypotension 1. Last evaluated: 2022-06-25. Review status: criteria provided, single submitter. Criteria: Invitae Variant Classification Sherloc (09022015). Collection method: clinical testing. Allele origin: germline.
Comment: In summary, the available evidence is currently insufficient to determine the role of this variant in disease. Therefore, it has been classified as a Variant of Uncertain Significance. Algorithms developed to predict the effect of missense changes on protein structure and function (SIFT, PolyPhen-2, Align-GVGD) all suggest that this variant is likely to be tolerated. This variant has not been reported in the literature in individuals affected with DBH-related conditions. This variant is present in population databases (no rsID available, gnomAD 0.01%). This sequence change replaces glutamic acid, which is acidic and polar, with lysine, which is basic and polar, at codon 174 of the DBH protein (p.Glu174Lys).

NM_000787.4(DBH):c.520G>A (p.Glu174Lys)

Gene: DBH (dopamine beta-hydroxylase; plus strand). Cytogenetic location: 9q34.2.
Variant type: single nucleotide variant.
Coding change: c.520G>A on transcript NM_000787.4 (MANE Select); coding-DNA position 520, G replaced by A.
Protein change: p.Glu174Lys; replaces glutamic acid 174 with lysine.
Molecular consequence: missense variant.
Genome position (GRCh38, 1-based): chr9:133,642,240, G>A. VCF-style: chr9-133642240-G-A. GRCh37 (hg19) VCF-style: chr9-136507362-G-A.
Other names: short protein forms E174K.
Identifiers: ClinVar variation 2007113 (VCV002007113.4), dbSNP rs1415046004, ClinGen allele CA375410856.
Genomic context (GRCh38, chr9:133,642,240, plus strand): 5'-ACCAGCTGAACCCTGTCTCGGCTGCAGGACGGCACTGTCCACTTGGTCTACGGGATCCTG[G>A]AGGAGCCGTTCCGGTCACTGGAGGCCATCAACGGCTCGGGCCTGCAGATGGGGCTGCAGA-3'
Protein context (NP_000778.3, residues 164-184): GTVHLVYGIL[Glu174Lys]EPFRSLEAIN